The following is an entry in ClinVar:

NM_021023.6(CFHR3):c.53G>C (p.Gly18Ala)

Gene: CFHR3 (complement factor H related 3; plus strand). Cytogenetic location: 1q31.3.
Variant type: single nucleotide variant.
Coding change: c.53G>C on transcript NM_021023.6 (MANE Select); coding-DNA position 53, G replaced by C.
Protein change: p.Gly18Ala; replaces glycine 18 with alanine.
Molecular consequence: missense variant.
Genome position (GRCh38, 1-based): chr1:196,774,939, G>C. VCF-style: chr1-196774939-G-C. GRCh37 (hg19) VCF-style: chr1-196744069-G-C.
Other names: p.Gly18Ala; c.53G>C, p.Gly18Ala (NM_001166624.2); short protein forms G18A.
Identifiers: ClinVar variation 774281 (VCV000774281.23), dbSNP rs140313679, ClinGen allele CA1306032.

ClinVar aggregate classification (germline): Benign/Likely benign. Review status: criteria provided, multiple submitters, no conflicts (2 of 4 stars). 6 submissions from 6 submitters: Benign (3); Likely benign (1). 2 of the submissions do not count toward it. Last evaluated 2025-06-10.

Conditions:
Atypical hemolytic-uremic syndrome. Identifiers: Orphanet 2134, MedGen C2931788, MONDO:0016244.

Allele frequency attached by ClinVar (database versions not stated): gnomAD 0.00156 and 0.00177; 1000 Genomes Project 0.00200; ESP Exome Variant Server 0.00215; 1000 Genomes Project 30x 0.00265; gnomAD exomes 0.00298 and 0.00343; ExAC 0.00324.
gnomAD v4.1: 4,954 of 1,526,620 alleles (0.32%); highest among the groups gnomAD compares: South Asian, 1.3%; 894 homozygotes.

Submissions (6):

Mayo Clinic Laboratories, Mayo Clinic
Classification: Likely benign. Last evaluated: 2025-06-10. Review status: criteria provided, single submitter. Criteria: ACMG Guidelines, 2015. Collection method: clinical testing. Allele origin: germline. Observed: 11 variant alleles.
Comment: BS1, BP4_moderate

CeGaT Center for Human Genetics Tuebingen
Classification: Benign. Last evaluated: 2024-11-01. Review status: criteria provided, single submitter. Criteria: CeGaT Center For Human Genetics Tuebingen Variant Classification Criteria Version 2. Collection method: clinical testing. Allele origin: germline. Affected: yes. Observed: 1 variant allele.
Comment: CFHR3: BP4, BS1, BS2

Genome Diagnostics Laboratory, The Hospital for Sick Children
Classification: Benign for Atypical hemolytic-uremic syndrome. Last evaluated: 2020-07-01. Review status: criteria provided, single submitter. Criteria: ACMG Guidelines, 2015. Collection method: clinical testing. Allele origin: germline.

Labcorp Genetics (formerly Invitae), Labcorp
Classification: Benign. Last evaluated: 2019-12-31. Review status: criteria provided, single submitter. Criteria: Invitae Variant Classification Sherloc (09022015). Collection method: clinical testing. Allele origin: germline.

Clinical Genetics DNA and cytogenetics Diagnostics Lab, Erasmus MC, Erasmus Medical Center
Classification: Benign. Review status: no assertion criteria provided. Collection method: clinical testing. Allele origin: germline. Affected: yes. Study: VKGL Data-share Consensus. Not counted in ClinVar's aggregate classification.

Genome Diagnostics Laboratory, University Medical Center Utrecht
Classification: Benign. Review status: no assertion criteria provided. Collection method: clinical testing. Allele origin: germline. Affected: yes. Study: VKGL Data-share Consensus. Not counted in ClinVar's aggregate classification.

Literature cited by the submitters: PubMed 32890900 (cited by Mayo Clinic Laboratories, Mayo Clinic).